The following is an entry in ClinVar:

NM_001369.3(DNAH5):c.12009G>A (p.Trp4003Ter)

Gene: DNAH5 (dynein axonemal heavy chain 5; minus strand). Cytogenetic location: 5p15.2.
Variant type: single nucleotide variant.
Coding change: c.12009G>A on transcript NM_001369.3 (MANE Select); coding-DNA position 12009, G replaced by A.
Protein change: p.Trp4003Ter; replaces tryptophan 4003 with a stop codon.
Molecular consequence: nonsense.
Genome position (GRCh38, 1-based): chr5:13,727,531, C>T on the plus strand (G>A on the coding strand, the complement: DNAH5 is on the minus strand). VCF-style: chr5-13727531-C-T. GRCh37 (hg19) VCF-style: chr5-13727640-C-T.
Other names: short protein forms W4003*.
Identifiers: ClinVar variation 1344588 (VCV001344588.10), dbSNP rs2126564103, ClinGen allele CA359217792.

ClinVar aggregate classification (germline): Pathogenic. Review status: criteria provided, multiple submitters, no conflicts (2 of 4 stars). 3 submissions from 3 submitters: Pathogenic (2). 1 of the submissions does not count toward it. Last evaluated 2024-07-02.

Conditions:
Primary ciliary dyskinesia. Also called: Ciliary dyskinesia. Identifiers: Orphanet 244, MedGen C0008780, MONDO:0016575, HP:0012265.
Primary ciliary dyskinesia 3. Identifiers: Orphanet 244, MedGen C1837618, MONDO:0012085, OMIM 608644.

Allele frequency attached by ClinVar (database versions not stated): gnomAD exomes 0.00001.
gnomAD v4.1: 3 of 1,613,462 alleles (0.00019%); highest among the groups gnomAD compares: Non-Finnish European, 0.00025%; no homozygotes.

Submissions (3):

Labcorp Genetics (formerly Invitae), Labcorp
Classification: Pathogenic for Primary ciliary dyskinesia. Last evaluated: 2024-07-02. Review status: criteria provided, single submitter. Criteria: Invitae Variant Classification Sherloc (09022015). Collection method: clinical testing. Allele origin: germline.
Comment: This sequence change creates a premature translational stop signal (p.Trp4003*) in the DNAH5 gene. It is expected to result in an absent or disrupted protein product. Loss-of-function variants in DNAH5 are known to be pathogenic (PMID: 11788826, 16627867). This variant is not present in population databases (gnomAD no frequency). This premature translational stop signal has been observed in individual(s) with DNAH5-related conditions (PMID: 30067075). ClinVar contains an entry for this variant (Variation ID: 1344588). For these reasons, this variant has been classified as Pathogenic.

Fulgent Genetics
Classification: Pathogenic for Primary ciliary dyskinesia 3. Last evaluated: 2024-06-18. Review status: criteria provided, single submitter. Criteria: ACMG Guidelines, 2015. Collection method: clinical testing. Allele origin: germline.

Yale Center for Mendelian Genomics, Yale University
Classification: Likely pathogenic for Primary ciliary dyskinesia. Last evaluated: 2018-08-01. Review status: no assertion criteria provided. Collection method: literature only. Allele origin: germline. Affected: yes. Observed: 1 compound heterozygote. Study: Yale Center for Mendelian Genomics. Not counted in ClinVar's aggregate classification.

Literature cited by the submitters: PubMed 11788826 (cited by Labcorp Genetics (formerly Invitae), Labcorp); PubMed 16627867 (cited by Labcorp Genetics (formerly Invitae), Labcorp); PubMed 30067075 (cited by Labcorp Genetics (formerly Invitae), Labcorp and Yale Center for Mendelian Genomics, Yale University).